The following is an entry in ClinVar:

ClinVar aggregate classification (germline): Benign/Likely benign. Review status: criteria provided, multiple submitters, no conflicts (2 of 4 stars). 10 submissions from 10 submitters: Benign (8); Likely benign (2). Last evaluated 2026-02-04.

Conditions:
Myopathy, centronuclear, 2 (CNM2). Also called: MYOTUBULAR MYOPATHY, AUTOSOMAL RECESSIVE. Identifiers: Orphanet 169186, MedGen CN031787, MONDO:0009709, OMIM 255200.

Allele frequency attached by ClinVar (database versions not stated): ESP Exome Variant Server 0.01724; gnomAD 0.03955; TOPMed 0.04293; gnomAD exomes 0.07319; 1000 Genomes Project 30x 0.08948; 1000 Genomes Project 0.08986; ExAC 0.10716.
gnomAD v4.1: 57,543 of 1,591,624 alleles (3.6%); highest among the groups gnomAD compares: Admixed American, 16%; 2,541 homozygotes.

Submissions (10):

Labcorp Genetics (formerly Invitae), Labcorp
Classification: Benign for Myopathy, centronuclear, 2. Last evaluated: 2026-02-04. Review status: criteria provided, single submitter. Criteria: Invitae Variant Classification Sherloc (09022015). Collection method: clinical testing. Allele origin: germline.

Blueprint Genetics
Classification: Benign. Last evaluated: 2024-11-26. Review status: criteria provided, single submitter. Criteria: ACMG Guidelines, 2015. Collection method: clinical testing. Allele origin: germline.

Illumina Laboratory Services, Illumina
Classification: Benign for Myopathy, centronuclear, 2. Last evaluated: 2018-01-13. Review status: criteria provided, single submitter. Criteria: ICSL Variant Classification Criteria 13 December 2019. Collection method: clinical testing. Allele origin: germline.
Comment: This variant was observed in the ICSL laboratory as part of a predisposition screen in an ostensibly healthy population. It had not been previously curated by ICSL or reported in the Human Gene Mutation Database (HGMD: prior to June 1st, 2018), and was therefore a candidate for classification through an automated scoring system. Utilizing variant allele frequency, disease prevalence and penetrance estimates, and inheritance mode, an automated score was calculated to assess if this variant is too frequent to cause the disease. Based on the score and internal cut-off values, a variant classified as benign is not then subjected to further curation. The score for this variant resulted in a classification of benign for this disease.

Mayo Clinic Laboratories, Mayo Clinic
Classification: Benign. Last evaluated: 2017-08-25. Review status: criteria provided, single submitter. Criteria: ACMG Guidelines, 2015. Collection method: clinical testing. Allele origin: germline. Observed: 61 variant alleles.

Eurofins Ntd Llc (ga)
Classification: Benign. Last evaluated: 2016-04-28. Review status: criteria provided, single submitter. Criteria: EGL Classification Definitions 2015. Collection method: clinical testing. Allele origin: germline. Observed: 4 variant alleles, 4 heterozygotes.

GeneDx
Classification: Benign. Last evaluated: 2016-02-18. Review status: criteria provided, single submitter. Criteria: GeneDx Variant Classification (06012015). Collection method: clinical testing. Allele origin: germline. Affected: yes.
Comment: This variant is considered likely benign or benign based on one or more of the following criteria: it is a conservative change, it occurs at a poorly conserved position in the protein, it is predicted to be benign by multiple in silico algorithms, and/or has population frequency not consistent with disease.

Laboratory for Molecular Medicine, Mass General Brigham Personalized Medicine
Classification: Benign. Last evaluated: 2014-11-24. Review status: criteria provided, single submitter. Criteria: LMM Criteria. Collection method: clinical testing. Allele origin: germline. Observed: 4 variant alleles.
Comment: Ser298Ser in exon 11 of BIN1: This variant is not expected to have clinical sign ificance because it does not alter an amino acid residue and is not located with in the splice consensus sequence. It has been identified in 2.0% (169/8590) of E uropean American chromosomes from a broad population by the NHLBI Exome Sequenci ng Project (dbSNP rs78936238).

Genetic Services Laboratory, University of Chicago
Classification: Likely benign. Last evaluated: 2013-08-20. Review status: criteria provided, single submitter. Criteria: ACMG Guidelines, 2007. Collection method: clinical testing. Allele origin: germline. Inheritance: Autosomal recessive inheritance.
Comment: Likely benign based on allele frequency in 1000 Genomes Project or ESP global frequency and its presence in a patient with a rare or unrelated disease phenotype. NOT Sanger confirmed

Breakthrough Genomics
Classification: Likely benign. Review status: criteria provided, single submitter. Criteria: ACMG Guidelines, 2015. Collection method: not provided. Allele origin: germline. Inheritance: Autosomal recessive inheritance. Affected: yes.

PreventionGenetics, part of Exact Sciences
Classification: Benign. Review status: criteria provided, single submitter. Criteria: ACMG Guidelines, 2015. Collection method: clinical testing. Allele origin: germline.

NM_139343.3(BIN1):c.894G>A (p.Ser298=)

Gene: BIN1 (bridging integrator 1; minus strand). Cytogenetic location: 2q14.3.
Variant type: single nucleotide variant.
Coding change: c.894G>A on transcript NM_139343.3 (MANE Select); coding-DNA position 894, G replaced by A.
Protein change: p.Ser298=; no amino-acid change (serine 298 retained).
Molecular consequence: synonymous variant.
Genome position (GRCh38, 1-based): chr2:127,059,119, C>T on the plus strand (G>A on the coding strand, the complement: BIN1 is on the minus strand). VCF-style: chr2-127059119-C-T. GRCh37 (hg19) VCF-style: chr2-127816695-C-T.
Other names: p.Ser298=; c.846G>A, p.Ser282= (NM_001320632.2, NM_004305.4, NM_139346.3); c.894G>A, p.Ser298= (NM_001320633.2, NM_001320640.2, NM_139344.3 and 1 more transcripts); c.729G>A, p.Ser243= (NM_001320634.1); c.801G>A, p.Ser267= (NM_001320641.2, NM_139347.3, NM_139348.3 and 3 more transcripts); c.813G>A, p.Ser271= (NM_001320642.1).
Identifiers: ClinVar variation 158022 (VCV000158022.28), dbSNP rs2228955, ClinGen allele CA171412.